The following is an entry in ClinVar:

ClinVar aggregate classification (germline): Likely benign (1 of 4 stars; one submission).

gnomAD v4.1: 1,069 of 1,444,738 alleles (0.074%); highest among the groups gnomAD compares: African/African-American, 1.4%; 10 homozygotes.

Submission:

CeGaT Center for Human Genetics Tuebingen
Classification: Likely benign. Last evaluated: 2025-03-01. Review status: criteria provided, single submitter. Criteria: CeGaT Center For Human Genetics Tuebingen Variant Classification Criteria Version 2. Collection method: clinical testing. Allele origin: germline. Affected: yes. Observed: 1 variant allele.
Comment: NPB: BS1

NM_148896.5(NPB):c.236G>A (p.Arg79Lys)

Genes: NPB (neuropeptide B; plus strand), PCYT2 (phosphate cytidylyltransferase 2, ethanolamine; minus strand), LOC130061982 (ATAC-STARR-seq lymphoblastoid silent region 9164; plus strand). Cytogenetic location: 17q25.3.
Variant type: single nucleotide variant.
Coding change: c.236G>A on transcript NM_148896.5 (MANE Select); coding-DNA position 236, G replaced by A.
Protein change: p.Arg79Lys; replaces arginine 79 with lysine.
Molecular consequence: missense variant. On other transcripts: 3 prime UTR variant (8).
Genome position (GRCh38, 1-based): chr17:81,902,513, G>A. VCF-style: chr17-81902513-G-A. GRCh37 (hg19) VCF-style: chr17-79860389-G-A.
Other names: c.*2320C>T (NM_001282204.2, NM_001330518.2, NM_002861.5 and 5 more transcripts); short protein forms R79K.
Identifiers: ClinVar variation 3777974 (VCV003777974.7).
Genomic context (GRCh38, chr17:81,902,513, plus strand): 5'-ACAGAGGGGCGGAACCCCCGGGCGGGGCCGGCGCCTCCCCGGAGCTGCAACTGCACCCCA[G>A]GCTGCGGAGCCTCGTGAGTCCGGCGTGCCGGGGACTGATGGGGGGCGGCGGCAGGACGTG-3'
Protein context (NP_683694.1, residues 69-89): GASPELQLHP[Arg79Lys]LRSLAVCVQD